The following is an entry in ClinVar:

ClinVar aggregate classification (germline): Pathogenic (1 of 4 stars; one submission).

Submission:

Labcorp Genetics (formerly Invitae), Labcorp
Classification: Pathogenic. Last evaluated: 2023-11-21. Review status: criteria provided, single submitter. Criteria: Invitae Variant Classification Sherloc (09022015). Collection method: clinical testing. Allele origin: germline.
Comment: This sequence change creates a premature translational stop signal (p.Glu740Ilefs*26) in the XPC gene. It is expected to result in an absent or disrupted protein product. Loss-of-function variants in XPC are known to be pathogenic (PMID: 23173980, 25256075). This variant is not present in population databases (gnomAD no frequency). This variant has not been reported in the literature in individuals affected with XPC-related conditions. For these reasons, this variant has been classified as Pathogenic.

Literature cited by the submitters: PubMed 23173980; PubMed 25256075.

NM_004628.5(XPC):c.2218_2221del (p.Glu740fs)

Gene: XPC (XPC complex subunit, DNA damage recognition and repair factor; minus strand). Cytogenetic location: 3p25.1.
Variant type: Deletion.
Coding change: c.2218_2221del on transcript NM_004628.5 (MANE Select); coding-DNA positions 2218 to 2221, 4 bases deleted (GAGT; older notation c.2218_2221delGAGT).
Protein change: p.Glu740fs; shifts the reading frame from glutamic acid 740.
Molecular consequence: frameshift variant. On other transcripts: non-coding transcript variant (2).
Genome position (GRCh38, 1-based): chr3:14,148,843-14,148,846, ACTC deleted on the plus strand (GAGT on the coding strand, the reverse complement: XPC is on the minus strand). VCF-style (leftmost placement, unchanged base first): chr3-14148842-TACTC-T. GRCh37 (hg19) VCF-style: chr3-14190342-TACTC-T.
Other names: c.1639_1642del, p.Glu547fs (NM_001354726.2); c.2212_2215del, p.Glu738fs (NM_001354727.2); c.2200_2203del, p.Glu734fs (NM_001354729.2); c.1972_1975del, p.Glu658fs (NM_001354730.2); short protein forms E734fs, E738fs, E658fs, E740fs, E547fs.
Identifiers: ClinVar variation 2698074 (VCV002698074.3), dbSNP rs2470227142, ClinGen allele CA913102186.